The following is an entry in ClinVar:

NM_053274.3(GLMN):c.1379C>T (p.Ala460Val)

Gene: GLMN (glomulin, FKBP associated protein; minus strand). Cytogenetic location: 1p22.1.
Variant type: single nucleotide variant.
Coding change: c.1379C>T on transcript NM_053274.3 (MANE Select); coding-DNA position 1379, C replaced by T.
Protein change: p.Ala460Val; replaces alanine 460 with valine.
Molecular consequence: missense variant. On other transcripts: non-coding transcript variant (1).
Genome position (GRCh38, 1-based): chr1:92,263,653, G>A on the plus strand (C>T on the coding strand, the complement: GLMN is on the minus strand). VCF-style: chr1-92263653-G-A. GRCh37 (hg19) VCF-style: chr1-92729210-G-A.
Other names: p.Ala460Val; c.1337C>T, p.Ala446Val (NM_001319683.2); short protein forms A460V, A446V.
Identifiers: ClinVar variation 4541298 (VCV004541298.1).
Genomic context (GRCh38, chr1:92,263,653, plus strand): 5'-CTATGTGAACTTTGGTAATGGTCACCTCACCTATCTGAGTTTTGCAGTAAATCTGTTTCT[G>A]CACCCTCTGGGAGAAAAAGTACCAAATCAAGAAGGGAAATCAACTGTGGTCCTGTAAACC-3'
Protein context (NP_444504.1, residues 450-470): LDLVLFLPEG[Ala460Val]ETDLLQNSDR

ClinVar aggregate classification (germline): Uncertain significance (1 of 4 stars; one submission).

Submission:

Mayo Clinic Laboratories, Mayo Clinic
Classification: Uncertain significance. Last evaluated: 2025-07-09. Review status: criteria provided, single submitter. Criteria: ACMG Guidelines, 2015. Collection method: clinical testing. Allele origin: germline. Observed: 1 variant allele.
Comment: PM2_supporting